The following is an entry in ClinVar:

ClinVar aggregate classification (germline): Likely benign. Review status: criteria provided, multiple submitters, no conflicts (2 of 4 stars). 2 submissions from 2 submitters: Likely benign (2). Last evaluated 2021-11-24.

Allele frequency attached by ClinVar (database versions not stated): 1000 Genomes Project 0.01278; 1000 Genomes Project 30x 0.01437.
gnomAD v4.1: 2,783 of 976,156 alleles (0.29%); highest among the groups gnomAD compares: African/African-American, 4.1%; 62 homozygotes.

Submissions (2):

GeneDx
Classification: Likely benign. Last evaluated: 2021-11-24. Review status: criteria provided, single submitter. Criteria: GeneDx Variant Classification Process June 2021. Collection method: clinical testing. Allele origin: germline. Affected: yes.
Comment: See Variant Classification Assertion Criteria.

Breakthrough Genomics
Classification: Likely benign. Review status: criteria provided, single submitter. Criteria: ACMG Guidelines, 2015. Collection method: not provided. Allele origin: germline. Inheritance: Autosomal recessive inheritance. Affected: yes.

NM_022173.4(TIA1):c.-166C>T

Gene: TIA1 (TIA1 cytotoxic granule associated RNA binding protein; minus strand). Cytogenetic location: 2p13.3.
Variant type: single nucleotide variant.
Coding change: c.-166C>T on transcript NM_022173.4 (MANE Select); 166 bases upstream of the start codon, C replaced by T.
Molecular consequence: 5 prime UTR variant. On other transcripts: non-coding transcript variant (14), intron variant (3).
Genome position (GRCh38, 1-based): chr2:70,248,596, G>A on the plus strand (C>T on the coding strand, the complement: TIA1 is on the minus strand). VCF-style: chr2-70248596-G-A. GRCh37 (hg19) VCF-style: chr2-70475728-G-A.
Other names: c.-166C>T (NM_001351508.2, NM_001351509.2, NM_001351510.2 and 7 more transcripts); c.-264C>T (NM_001351514.2, NM_001351523.2); c.-555C>T (NM_001351515.2); c.-804C>T (NM_001351517.2); c.-581C>T (NM_001351524.2); c.-619C>T (NM_001351525.2); c.-86+67C>T (NM_001351513.1, NM_001351511.1, NM_001351512.1).
Identifiers: ClinVar variation 1687663 (VCV001687663.3), dbSNP rs111759046, ClinGen allele CA49610980.